The following is an entry in ClinVar:

ClinVar aggregate classification (germline): Uncertain significance (1 of 4 stars; one submission).

Conditions:
Singleton-Merten syndrome 1 (SGMRT1). Also called: Widened medullary cavities of bone, aortic calcification, abnormal dentition, and muscular weakness; Syndrome of widened medullary cavities of the metacarpals and phalanges, aortic calcification and abnormal dentition. Identifiers: Orphanet 85191, MedGen C4225427, MONDO:0024535, OMIM 182250.
Aicardi-Goutieres syndrome 7 (AGS7). Identifiers: Orphanet 51, MedGen C3888244, MONDO:0014367, OMIM 615846.

Allele frequency attached by ClinVar (database versions not stated): gnomAD exomes below 0.00001 and 0.00001; TOPMed below 0.00001; ExAC 0.00001; gnomAD 0.00001.
gnomAD v4.1: 3 of 1,564,132 alleles (0.00019%); highest among the groups gnomAD compares: South Asian, 0.0011%; no homozygotes.

Submission:

Labcorp Genetics (formerly Invitae), Labcorp
Classification: Uncertain significance for Aicardi-Goutieres syndrome 7; Singleton-Merten syndrome 1. Last evaluated: 2021-11-27. Review status: criteria provided, single submitter. Criteria: Invitae Variant Classification Sherloc (09022015). Collection method: clinical testing. Allele origin: germline.
Comment: This variant has not been reported in the literature in individuals affected with IFIH1-related conditions. This variant is present in population databases (rs762899578, gnomAD 0.003%). This sequence change replaces threonine, which is neutral and polar, with alanine, which is neutral and non-polar, at codon 545 of the IFIH1 protein (p.Thr545Ala). Algorithms developed to predict the effect of missense changes on protein structure and function (SIFT, PolyPhen-2, Align-GVGD) all suggest that this variant is likely to be tolerated. In summary, the available evidence is currently insufficient to determine the role of this variant in disease. Therefore, it has been classified as a Variant of Uncertain Significance.

NM_022168.4(IFIH1):c.1633A>G (p.Thr545Ala)

Gene: IFIH1 (interferon induced with helicase C domain 1; minus strand). Cytogenetic location: 2q24.2.
Variant type: single nucleotide variant.
Coding change: c.1633A>G on transcript NM_022168.4 (MANE Select); coding-DNA position 1633, A replaced by G.
Protein change: p.Thr545Ala; replaces threonine 545 with alanine.
Molecular consequence: missense variant.
Genome position (GRCh38, 1-based): chr2:162,280,004, T>C on the plus strand (A>G on the coding strand, the complement: IFIH1 is on the minus strand). VCF-style: chr2-162280004-T-C. GRCh37 (hg19) VCF-style: chr2-163136514-T-C.
Other names: short protein forms T545A.
Identifiers: ClinVar variation 1506985 (VCV001506985.6), dbSNP rs762899578, ClinGen allele CA1934470.